The following is an entry in ClinVar:

NM_031935.3(HMCN1):c.9314A>G (p.His3105Arg)

Gene: HMCN1 (hemicentin 1; plus strand). Cytogenetic location: 1q31.1.
Variant type: single nucleotide variant.
Coding change: c.9314A>G on transcript NM_031935.3 (MANE Select); coding-DNA position 9314, A replaced by G.
Protein change: p.His3105Arg; replaces histidine 3105 with arginine.
Molecular consequence: missense variant.
Genome position (GRCh38, 1-based): chr1:186,087,596, A>G. VCF-style: chr1-186087596-A-G. GRCh37 (hg19) VCF-style: chr1-186056728-A-G.
Other names: short protein forms H3105R.
Identifiers: ClinVar variation 1406817 (VCV001406817.6), dbSNP rs371120895, ClinGen allele CA1293375.
Genomic context (GRCh38, chr1:186,087,596, plus strand): 5'-CTGTGCCACCTCCAGTCATCACTTGGTATAAGAATGGGCGGATGATAACAGAGTCTACTC[A>G]TGTGGAGATTTTAGCTGATGGACAAATGCTACACATTAAGAAAGCTGAGGTGCATCTTTT-3'
Protein context (NP_114141.2, residues 3095-3115): KNGRMITEST[His3105Arg]VEILADGQML

ClinVar aggregate classification (germline): Uncertain significance (1 of 4 stars; one submission).

gnomAD v4.1: 27 of 1,613,170 alleles (0.0017%); highest among the groups gnomAD compares: African/African-American, 0.024%; no homozygotes.

Submission:

Labcorp Genetics (formerly Invitae), Labcorp
Classification: Uncertain significance. Last evaluated: 2025-07-10. Review status: criteria provided, single submitter. Criteria: Invitae Variant Classification Sherloc (09022015). Collection method: clinical testing. Allele origin: germline.
Comment: This sequence change replaces histidine, which is basic and polar, with arginine, which is basic and polar, at codon 3105 of the HMCN1 protein (p.His3105Arg). This variant is present in population databases (rs371120895, gnomAD 0.01%). This variant has not been reported in the literature in individuals affected with HMCN1-related conditions. ClinVar contains an entry for this variant (Variation ID: 1406817). An algorithm developed to predict the effect of missense changes on protein structure and function outputs the following: PolyPhen-2: "Benign". The arginine amino acid residue is found in multiple mammalian species, which suggests that this missense change does not adversely affect protein function. In summary, the available evidence is currently insufficient to determine the role of this variant in disease. Therefore, it has been classified as a Variant of Uncertain Significance.